The following is an entry in ClinVar:

NM_014049.5(ACAD9):c.611A>G (p.His204Arg)

Gene: ACAD9 (acyl-CoA dehydrogenase family member 9; plus strand). Cytogenetic location: 3q21.3.
Variant type: single nucleotide variant.
Coding change: c.611A>G on transcript NM_014049.5 (MANE Select); coding-DNA position 611, A replaced by G.
Protein change: p.His204Arg; replaces histidine 204 with arginine.
Molecular consequence: missense variant. On other transcripts: non-coding transcript variant (1).
Genome position (GRCh38, 1-based): chr3:128,897,688, A>G. VCF-style: chr3-128897688-A-G. GRCh37 (hg19) VCF-style: chr3-128616531-A-G.
Other names: c.242A>G, p.His81Arg (NM_001410805.1); short protein forms H204R, H81R.
Identifiers: ClinVar variation 2152672 (VCV002152672.4), dbSNP rs764191262, ClinGen allele CA2601198.

ClinVar aggregate classification (germline): Uncertain significance (1 of 4 stars; one submission).

Allele frequency attached by ClinVar (database versions not stated): gnomAD exomes below 0.00001; TOPMed below 0.00001; ExAC 0.00001; gnomAD 0.00001.
gnomAD v4.1: 4 of 1,613,700 alleles (0.00025%); highest among the groups gnomAD compares: East Asian, 0.0022%; no homozygotes.

Submission:

Labcorp Genetics (formerly Invitae), Labcorp
Classification: Uncertain significance. Last evaluated: 2022-08-23. Review status: criteria provided, single submitter. Criteria: Invitae Variant Classification Sherloc (09022015). Collection method: clinical testing. Allele origin: germline.
Comment: This sequence change replaces histidine, which is basic and polar, with arginine, which is basic and polar, at codon 204 of the ACAD9 protein (p.His204Arg). This variant is present in population databases (rs764191262, gnomAD 0.006%). This variant has not been reported in the literature in individuals affected with ACAD9-related conditions. Algorithms developed to predict the effect of missense changes on protein structure and function (SIFT, PolyPhen-2, Align-GVGD) all suggest that this variant is likely to be tolerated. In summary, the available evidence is currently insufficient to determine the role of this variant in disease. Therefore, it has been classified as a Variant of Uncertain Significance.